The following is an entry in ClinVar:

NM_015021.3(ZNF292):c.849G>A (p.Gln283=)

Gene: ZNF292 (zinc finger protein 292; plus strand). Cytogenetic location: 6q14.3.
Variant type: single nucleotide variant.
Coding change: c.849G>A on transcript NM_015021.3 (MANE Select); coding-DNA position 849, G replaced by A.
Protein change: p.Gln283=; no amino-acid change (glutamine 283 retained).
Molecular consequence: synonymous variant.
Genome position (GRCh38, 1-based): chr6:87,243,582, G>A. VCF-style: chr6-87243582-G-A. GRCh37 (hg19) VCF-style: chr6-87953300-G-A.
Other names: c.429G>A, p.Gln143= (NM_001351444.2).
Identifiers: ClinVar variation 3770834 (VCV003770834.13).

ClinVar aggregate classification (germline): Likely benign (1 of 4 stars; one submission).

gnomAD v4.1: 5 of 1,551,202 alleles (0.00032%); highest among the groups gnomAD compares: Middle Eastern, 0.017%; no homozygotes.

Submission:

CeGaT Center for Human Genetics Tuebingen
Classification: Likely benign. Last evaluated: 2025-01-01. Review status: criteria provided, single submitter. Criteria: CeGaT Center For Human Genetics Tuebingen Variant Classification Criteria Version 2. Collection method: clinical testing. Allele origin: germline. Affected: yes. Observed: 1 variant allele.
Comment: ZNF292: BP4, BP7